The following is an entry in ClinVar:

ClinVar aggregate classification (germline): Conflicting classifications of pathogenicity. Review status: criteria provided, conflicting classifications (1 of 4 stars). 10 submissions from 9 submitters: Uncertain significance (5); Likely benign (4). 1 of the submissions does not count toward it. Last evaluated 2026-08-01.

Conditions:
ELN-related disorder.
Supravalvar aortic stenosis (SVAS). Also called: Supravalvar aortic stenosis, Eisenberg type. Identifiers: Orphanet 3193, MedGen C0003499, MONDO:0008504, OMIM 185500, HP:0004381.
Williams syndrome (WBS). Also called: CHROMOSOME 7q11.23 DELETION SYNDROME, 1.5- TO 1.8-MB; WILLIAMS-BEUREN SYNDROME. Identifiers: Orphanet 904, MedGen C0175702, MONDO:0008678, OMIM 194050. Disease mechanism: loss of function.
Familial thoracic aortic aneurysm and aortic dissection (TAAD). Also called: Thoracic aortic aneurysms and dissections. Identifiers: Orphanet 91387, MedGen C4707243, MONDO:0019625.
Cutis laxa, autosomal dominant 1 (ADCL1). Also called: ELN-Related Cutis Laxa. Identifiers: Orphanet 90348, MedGen C3276539, MONDO:0007411, OMIM 123700. Disease mechanism: Dominant Negative.

Allele frequency attached by ClinVar (database versions not stated): TOPMed 0.00003; ExAC 0.00006; 1000 Genomes Project 0.00020; gnomAD 0.00026; 1000 Genomes Project 30x 0.00031.
gnomAD v4.1: 140 of 1,547,070 alleles (0.009%); highest among the groups gnomAD compares: Middle Eastern, 0.22%; no homozygotes.

Submissions (10):

CeGaT Center for Human Genetics Tuebingen
Classification: Likely benign. Last evaluated: 2026-08-01. Review status: criteria provided, single submitter. Criteria: CeGaT Center For Human Genetics Tuebingen Variant Classification Criteria Version 2. Collection method: clinical testing. Allele origin: germline. Affected: yes. Observed: 2 variant alleles.
Comment: ELN: BS2

GeneDx
Classification: Uncertain significance. Last evaluated: 2026-07-07. Review status: criteria provided, single submitter. Criteria: GeneDx Variant Classification Process June 2021. Collection method: clinical testing. Allele origin: germline.
Comment: Identified in a patient with bicuspid aortic valve (PMID: 28659821); In silico analysis suggests that this missense variant does not alter protein structure/function; This variant is associated with the following publications: (PMID: 28659821)

Labcorp Genetics (formerly Invitae), Labcorp
Classification: Uncertain significance for Supravalvar aortic stenosis. Last evaluated: 2026-02-04. Review status: criteria provided, single submitter. Criteria: Invitae Variant Classification Sherloc (09022015). Collection method: clinical testing. Allele origin: germline.
Comment: This sequence change replaces alanine, which is neutral and non-polar, with threonine, which is neutral and polar, at codon 699 of the ELN protein (p.Ala699Thr). This variant is present in population databases (rs536177240, gnomAD 0.02%). This variant has not been reported in the literature in individuals affected with ELN-related conditions. ClinVar contains an entry for this variant (Variation ID: 360660). Invitae Evidence Modeling of protein sequence and biophysical properties (such as structural, functional, and spatial information, amino acid conservation, physicochemical variation, residue mobility, and thermodynamic stability) indicates that this missense variant is not expected to disrupt ELN protein function with a negative predictive value of 80%. In summary, the available evidence is currently insufficient to determine the role of this variant in disease. Therefore, it has been classified as a Variant of Uncertain Significance.

Women's Health and Genetics/Laboratory Corporation of America, LabCorp
Classification: Likely benign. Last evaluated: 2025-07-14. Review status: criteria provided, single submitter. Criteria: LabCorp Variant Classification Summary - May 2015. Collection method: clinical testing. Allele origin: germline.
Comment: Variant summary: ELN c.2095G>A (p.Ala699Thr) results in a non-conservative amino acid change in the encoded protein sequence. Algorithms developed to predict the effect of missense changes on protein structure and function are either unavailable or do not agree on the potential impact of this missense change. The variant allele was found at a frequency of 9.3e-05 in 150404 control chromosomes (gnomAD). The observed variant frequency is approximately 3-fold of the estimated maximal expected allele frequency for a pathogenic variant in ELN causing Supravalvar Aortic Stenosis phenotype (3.1e-05). The variant has been observed in an individual affected with bicuspid aortic valve (Gillis_2017). This report does not provide unequivocal conclusions about association of the variant with Supravalvar Aortic Stenosis. To our knowledge, no experimental evidence demonstrating an impact on protein function has been reported. The following publication has been ascertained in the context of this evaluation (PMID: 28659821). ClinVar contains an entry for this variant (Variation ID: 360660). Based on the evidence outlined above, the variant was classified as likely benign.

Blueprint Genetics
Classification: Likely benign. Last evaluated: 2024-10-07. Review status: criteria provided, single submitter. Criteria: ACMG Guidelines, 2015. Collection method: clinical testing. Allele origin: germline.

Centre of Medical Genetics, University of Antwerp
Classification: Uncertain significance for Familial thoracic aortic aneurysm and aortic dissection. Last evaluated: 2024-09-06. Review status: criteria provided, single submitter. Criteria: ACMG Guidelines, 2015. Collection method: clinical testing. Allele origin: germline. Affected: yes.

Centre for Mendelian Genomics, University Medical Centre Ljubljana
Classification: Likely benign for Williams syndrome. Last evaluated: 2018-10-22. Review status: criteria provided, single submitter. Criteria: ACMG Guidelines, 2015. Collection method: clinical testing. Allele origin: unknown. Affected: yes.
Comment: This variant was classified as: Likely benign. The following ACMG criteria were applied in classifying this variant: BP1,BP4,BP6.

Illumina Laboratory Services, Illumina
Classification: Uncertain significance for Cutis laxa, autosomal dominant 1. Last evaluated: 2018-01-12. Review status: criteria provided, single submitter. Criteria: ICSL Variant Classification Criteria 13 December 2019. Collection method: clinical testing. Allele origin: germline.

Illumina Laboratory Services, Illumina
Classification: Uncertain significance for Supravalvar aortic stenosis. Last evaluated: 2018-01-12. Review status: criteria provided, single submitter. Criteria: ICSL Variant Classification Criteria 13 December 2019. Collection method: clinical testing. Allele origin: germline.

PreventionGenetics, part of Exact Sciences
Classification: Uncertain significance for ELN-related condition. Last evaluated: 2023-10-25. Review status: no assertion criteria provided. Collection method: clinical testing. Allele origin: germline. Not counted in ClinVar's aggregate classification.
Comment: The ELN c.1909G>A variant is predicted to result in the amino acid substitution p.Ala637Thr. To our knowledge, this variant has not been reported in the literature. This variant is reported in 0.023% of alleles in individuals of European (Non-Finnish) descent in gnomAD. Although we suspect that this variant may be benign, at this time, the clinical significance of this variant is uncertain due to the absence of conclusive functional and genetic evidence.

Literature cited by the submitters: PubMed 28659821 (cited by Women's Health and Genetics/Laboratory Corporation of America, LabCorp).

NM_000501.4(ELN):c.1909G>A (p.Ala637Thr)

Gene: ELN (elastin; plus strand). Cytogenetic location: 7q11.23.
Variant type: single nucleotide variant.
Coding change: c.1909G>A on transcript NM_000501.4 (MANE Select); coding-DNA position 1909, G replaced by A.
Protein change: p.Ala637Thr; replaces alanine 637 with threonine.
Molecular consequence: missense variant.
Genome position (GRCh38, 1-based): chr7:74,063,360, G>A. VCF-style: chr7-74063360-G-A. GRCh37 (hg19) VCF-style: chr7-73477690-G-A.
Other names: c.1822G>A, p.Ala608Thr (NM_001081752.3); c.1867G>A, p.Ala623Thr (NM_001081753.3); c.1924G>A, p.Ala642Thr (NM_001081754.3); c.1852G>A, p.Ala618Thr (NM_001081755.3); c.1909G>A, p.Ala637Thr (NM_001278912.2); c.1666G>A, p.Ala556Thr (NM_001278913.2); c.1837G>A, p.Ala613Thr (NM_001278914.2); c.1927G>A, p.Ala643Thr (NM_001278915.2); and 5 more; short protein forms A637T, A589T, A642T, A699T, A548T, A613T, A618T, A623T.
Identifiers: ClinVar variation 360660 (VCV000360660.29), dbSNP rs536177240, ClinGen allele CA4293282.